The following is an entry in ClinVar:

ClinVar aggregate classification (germline): Likely pathogenic (1 of 4 stars; one submission).

Submission:

Labcorp Genetics (formerly Invitae), Labcorp
Classification: Likely pathogenic. Last evaluated: 2024-01-12. Review status: criteria provided, single submitter. Criteria: Invitae Variant Classification Sherloc (09022015). Collection method: clinical testing. Allele origin: germline.
Comment: This sequence change affects a donor splice site in intron 9 of the FRAS1 gene. It is expected to disrupt RNA splicing. Variants that disrupt the donor or acceptor splice site typically lead to a loss of protein function (PMID: 16199547), and loss-of-function variants in FRAS1 are known to be pathogenic (PMID: 12766769, 18671281). This variant is not present in population databases (gnomAD no frequency). This variant has not been reported in the literature in individuals affected with FRAS1-related conditions. Algorithms developed to predict the effect of sequence changes on RNA splicing suggest that this variant may disrupt the consensus splice site. In summary, the currently available evidence indicates that the variant is pathogenic, but additional data are needed to prove that conclusively. Therefore, this variant has been classified as Likely Pathogenic.

Literature cited by the submitters: PubMed 16199547; PubMed 12766769; PubMed 18671281.

NM_025074.7(FRAS1):c.981+2T>C

Gene: FRAS1 (Fraser extracellular matrix complex subunit 1; plus strand). Cytogenetic location: 4q21.21.
Variant type: single nucleotide variant.
Coding change: c.981+2T>C on transcript NM_025074.7 (MANE Select); the canonical splice donor site of the intron after coding-DNA position 981, T replaced by C.
Molecular consequence: splice donor variant.
Genome position (GRCh38, 1-based): chr4:78,267,434, T>C. VCF-style: chr4-78267434-T-C. GRCh37 (hg19) VCF-style: chr4-79188588-T-C.
Other names: c.981+2T>C (NM_001166133.2).
Identifiers: ClinVar variation 2844128 (VCV002844128.3), dbSNP rs1389460770, ClinGen allele CA357356232.